The following is an entry in ClinVar:

ClinVar aggregate classification (germline): Uncertain significance (1 of 4 stars; one submission).

Conditions:
Epileptic encephalopathy. Identifiers: MedGen C0543888, HP:0200134.

gnomAD v4.1: 3 of 1,612,822 alleles (0.00019%); highest among the groups gnomAD compares: East Asian, 0.0022%; no homozygotes.

Submission:

Labcorp Genetics (formerly Invitae), Labcorp
Classification: Uncertain significance for Epileptic encephalopathy. Last evaluated: 2025-11-05. Review status: criteria provided, single submitter. Criteria: Invitae Variant Classification Sherloc (09022015). Collection method: clinical testing. Allele origin: germline.
Comment: This sequence change replaces threonine, which is neutral and polar, with isoleucine, which is neutral and non-polar, at codon 928 of the FASN protein (p.Thr928Ile). This variant is present in population databases (no rsID available, gnomAD 0.006%). This variant has not been reported in the literature in individuals affected with FASN-related conditions. An algorithm developed to predict the effect of missense changes on protein structure and function (PolyPhen-2) suggests that this variant is likely to be tolerated. In summary, the available evidence is currently insufficient to determine the role of this variant in disease. Therefore, it has been classified as a Variant of Uncertain Significance.

NM_004104.5(FASN):c.2783C>T (p.Thr928Ile)

Gene: FASN (fatty acid synthase; minus strand). Cytogenetic location: 17q25.3.
Variant type: single nucleotide variant.
Coding change: c.2783C>T on transcript NM_004104.5 (MANE Select); coding-DNA position 2783, C replaced by T.
Protein change: p.Thr928Ile; replaces threonine 928 with isoleucine.
Molecular consequence: missense variant.
Genome position (GRCh38, 1-based): chr17:82,088,118, G>A on the plus strand (C>T on the coding strand, the complement: FASN is on the minus strand). VCF-style: chr17-82088118-G-A. GRCh37 (hg19) VCF-style: chr17-80045994-G-A.
Other names: short protein forms T928I.
Identifiers: ClinVar variation 4804329 (VCV004804329.1).